The following is an entry in ClinVar:

NM_032634.4(PIGO):c.1283T>A (p.Leu428Gln)

Gene: PIGO (phosphatidylinositol glycan anchor biosynthesis class O; minus strand). Cytogenetic location: 9p13.3.
Variant type: single nucleotide variant.
Coding change: c.1283T>A on transcript NM_032634.4 (MANE Select); coding-DNA position 1283, T replaced by A.
Protein change: p.Leu428Gln; replaces leucine 428 with glutamine.
Molecular consequence: missense variant.
Genome position (GRCh38, 1-based): chr9:35,092,604, A>T on the plus strand (T>A on the coding strand, the complement: PIGO is on the minus strand). VCF-style: chr9-35092604-A-T. GRCh37 (hg19) VCF-style: chr9-35092601-A-T.
Other names: c.1283T>A, p.Leu428Gln (NM_001201484.2, NM_152850.4); short protein forms L428Q.
Identifiers: ClinVar variation 473214 (VCV000473214.7), dbSNP rs182396158, ClinGen allele CA5040673.

ClinVar aggregate classification (germline): Uncertain significance. Review status: criteria provided, multiple submitters, no conflicts (2 of 4 stars). 2 submissions from 2 submitters: Uncertain significance (2). Last evaluated 2022-10-18.

Conditions:
Inborn genetic diseases. Identifiers: MedGen C0950123, MeSH D030342.
Hyperphosphatasia with impaired intellectual development syndrome 2. Also called: GLYCOSYLPHOSPHATIDYLINOSITOL BIOSYNTHESIS DEFECT 6; Hyperphosphatasia with intellectual disability syndrome 2. Identifiers: Orphanet 247262, MedGen C3553637, MONDO:0013882, OMIM 614749.

Allele frequency attached by ClinVar (database versions not stated): gnomAD exomes 0.00004 and 0.00008; ExAC 0.00005; gnomAD 0.00002 and 0.00001; TOPMed 0.00005; 1000 Genomes Project 30x 0.00016; 1000 Genomes Project 0.00020.

Submissions (2):

Labcorp Genetics (formerly Invitae), Labcorp
Classification: Uncertain significance for Hyperphosphatasia with impaired intellectual development syndrome 2. Last evaluated: 2022-10-18. Review status: criteria provided, single submitter. Criteria: Invitae Variant Classification Sherloc (09022015). Collection method: clinical testing. Allele origin: germline.
Comment: This sequence change replaces leucine, which is neutral and non-polar, with glutamine, which is neutral and polar, at codon 428 of the PIGO protein (p.Leu428Gln). This variant is present in population databases (rs182396158, gnomAD 0.06%). This variant has not been reported in the literature in individuals affected with PIGO-related conditions. ClinVar contains an entry for this variant (Variation ID: 473214). Advanced modeling of protein sequence and biophysical properties (such as structural, functional, and spatial information, amino acid conservation, physicochemical variation, residue mobility, and thermodynamic stability) performed at Invitae indicates that this missense variant is not expected to disrupt PIGO protein function. In summary, the available evidence is currently insufficient to determine the role of this variant in disease. Therefore, it has been classified as a Variant of Uncertain Significance.

Ambry Genetics
Classification: Uncertain significance for Inborn genetic diseases. Last evaluated: 2021-03-25. Review status: criteria provided, single submitter. Criteria: Ambry Variant Classification Scheme 2023. Collection method: clinical testing. Allele origin: germline.
Comment: The c.1283T>A (p.L428Q) alteration is located in exon 7 (coding exon 6) of the PIGO gene. This alteration results from a T to A substitution at nucleotide position 1283, causing the leucine (L) at amino acid position 428 to be replaced by a glutamine (Q). The in silico prediction for the p.L428Q alteration is inconclusive. Based on insufficient or conflicting evidence, the clinical significance of this alteration remains unclear.